The following is an entry in ClinVar:

NM_020856.4(TSHZ3):c.1333G>A (p.Val445Met)

Gene: TSHZ3 (teashirt zinc finger homeobox 3; minus strand). Cytogenetic location: 19q12.
Variant type: single nucleotide variant.
Coding change: c.1333G>A on transcript NM_020856.4 (MANE Select); coding-DNA position 1333, G replaced by A.
Protein change: p.Val445Met; replaces valine 445 with methionine.
Molecular consequence: missense variant.
Genome position (GRCh38, 1-based): chr19:31,278,460, C>T on the plus strand (G>A on the coding strand, the complement: TSHZ3 is on the minus strand). VCF-style: chr19-31278460-C-T. GRCh37 (hg19) VCF-style: chr19-31769366-C-T.
Other names: short protein forms V445M.
Identifiers: ClinVar variation 3034553 (VCV003034553.2), dbSNP rs139342269, ClinGen allele CA9354310.

ClinVar aggregate classification (germline): Likely benign (0 of 4 stars; one submission).

Conditions:
TSHZ3-related disorder. Also called: TSHZ3-related condition.

Allele frequency attached by ClinVar (database versions not stated): 1000 Genomes Project 30x 0.00016; ESP Exome Variant Server 0.00108.
gnomAD v4.1: 2,687 of 1,614,098 alleles (0.17%); highest among the groups gnomAD compares: Non-Finnish European, 0.21%; 1 homozygote.

Submission:

PreventionGenetics, part of Exact Sciences
Classification: Likely benign for TSHZ3-related condition. Last evaluated: 2022-02-22. Review status: no assertion criteria provided. Collection method: clinical testing. Allele origin: germline.
Comment: This variant is classified as likely benign based on ACMG/AMP sequence variant interpretation guidelines (Richards et al. 2015 PMID: 25741868, with internal and published modifications).